The following is an entry in ClinVar:

NM_130849.4(SLC39A4):c.1149+1G>A

Gene: SLC39A4 (solute carrier family 39 member 4; minus strand). Cytogenetic location: 8q24.3.
Variant type: single nucleotide variant.
Coding change: c.1149+1G>A on transcript NM_130849.4 (MANE Select); the canonical splice donor site of the intron after coding-DNA position 1149, G replaced by A.
Molecular consequence: splice donor variant.
Genome position (GRCh38, 1-based): chr8:144,414,261, C>T on the plus strand (G>A on the coding strand, the complement: SLC39A4 is on the minus strand). VCF-style: chr8-144414261-C-T. GRCh37 (hg19) VCF-style: chr8-145639645-C-T.
Other names: c.1149+1G>A (NM_130849.3); c.867+1G>A (NM_001374839.1); c.1074+1G>A (NM_017767.3).
Identifiers: ClinVar variation 2872661 (VCV002872661.4), dbSNP rs2537431679, ClinGen allele CA372621075.

ClinVar aggregate classification (germline): Likely pathogenic. Review status: criteria provided, multiple submitters, no conflicts (2 of 4 stars). 2 submissions from 2 submitters: Likely pathogenic (2). Last evaluated 2025-01-31.

Conditions:
Hereditary acrodermatitis enteropathica (AEZ). Also called: Acrodermatitis enteropathica. Identifiers: Orphanet 37, MedGen C0221036, MONDO:0008713, OMIM 201100.

gnomAD v4.1: 3 of 1,608,114 alleles (0.00019%); highest among the groups gnomAD compares: South Asian, 0.0011%; no homozygotes.

Submissions (2):

Natera, Inc.
Classification: Likely pathogenic for Acrodermatitis enteropathica. Last evaluated: 2025-01-31. Review status: criteria provided, single submitter. Criteria: Natera Variant Classification Schema (03/2026). Collection method: clinical testing. Allele origin: germline.
Comment: The c.1149+1G>A variant in SLC39A4 is a canonical splice donor site variant predicted to affect pre-mRNA splicing, which may result in an abnormal transcript and altered protein product. This variant is expected to result in nonsense mediated decay, truncation, or a dysfunctional protein product. This variant is rare in the general population with a frequency below the threshold expected for the associated phenotype(s). Given the available evidence, this variant is classified as Likely Pathogenic.

Labcorp Genetics (formerly Invitae), Labcorp
Classification: Likely pathogenic. Last evaluated: 2023-05-02. Review status: criteria provided, single submitter. Criteria: Invitae Variant Classification Sherloc (09022015). Collection method: clinical testing. Allele origin: germline.
Comment: In summary, the currently available evidence indicates that the variant is pathogenic, but additional data are needed to prove that conclusively. Therefore, this variant has been classified as Likely Pathogenic. Algorithms developed to predict the effect of sequence changes on RNA splicing suggest that this variant may disrupt the consensus splice site. This variant has not been reported in the literature in individuals affected with SLC39A4-related conditions. This variant is not present in population databases (gnomAD no frequency). This sequence change affects a donor splice site in intron 6 of the SLC39A4 gene. It is expected to disrupt RNA splicing. Variants that disrupt the donor or acceptor splice site typically lead to a loss of protein function (PMID: 16199547), and loss-of-function variants in SLC39A4 are known to be pathogenic (PMID: 12955721).

Literature cited by the submitters: PubMed 16199547 (cited by Labcorp Genetics (formerly Invitae), Labcorp); PubMed 12955721 (cited by Labcorp Genetics (formerly Invitae), Labcorp).